The following is an entry in ClinVar:

ClinVar aggregate classification (germline): Uncertain significance. Review status: criteria provided, multiple submitters, no conflicts (2 of 4 stars). 2 submissions from 2 submitters: Uncertain significance (2). Last evaluated 2025-06-29.

Conditions:
RASopathy. Also called: rasopathies; Noonan spectrum disorder. Identifiers: Orphanet 536391, MedGen C5555857, MONDO:0021060.
Cardiovascular phenotype. Identifiers: MedGen CN230736.

gnomAD v4.1: 7 of 1,516,648 alleles (0.00046%); highest among the groups gnomAD compares: Admixed American, 0.002%; no homozygotes.

Submissions (2):

Labcorp Genetics (formerly Invitae), Labcorp
Classification: Uncertain significance for RASopathy. Last evaluated: 2025-06-29. Review status: criteria provided, single submitter. Criteria: Invitae Variant Classification Sherloc (09022015). Collection method: clinical testing. Allele origin: germline.
Comment: This sequence change replaces histidine, which is basic and polar, with proline, which is neutral and non-polar, at codon 36 of the CBL protein (p.His36Pro). This variant is present in population databases (rs777499142, gnomAD 0.002%). This variant has not been reported in the literature in individuals affected with CBL-related conditions. ClinVar contains an entry for this variant (Variation ID: 3706469). Invitae Evidence Modeling of protein sequence and biophysical properties (such as structural, functional, and spatial information, amino acid conservation, physicochemical variation, residue mobility, and thermodynamic stability) indicates that this missense variant is not expected to disrupt CBL protein function with a negative predictive value of 95%. In summary, the available evidence is currently insufficient to determine the role of this variant in disease. Therefore, it has been classified as a Variant of Uncertain Significance.

Ambry Genetics
Classification: Uncertain significance for Cardiovascular phenotype. Last evaluated: 2025-01-03. Review status: criteria provided, single submitter. Criteria: Ambry Variant Classification Scheme 2023. Collection method: clinical testing. Allele origin: germline.
Comment: The p.H36P variant (also known as c.107A>C), located in coding exon 1 of the CBL gene, results from an A to C substitution at nucleotide position 107. The histidine at codon 36 is replaced by proline, an amino acid with similar properties. This amino acid position is conserved. In addition, this alteration is predicted to be tolerated by in silico analysis. Based on the available evidence, the clinical significance of this variant remains unclear.

NM_005188.4(CBL):c.107A>C (p.His36Pro)

Genes: CBL (Cbl proto-oncogene; plus strand), LOC130006895 (ATAC-STARR-seq lymphoblastoid silent region 3975; plus strand). Cytogenetic location: 11q23.3.
Variant type: single nucleotide variant.
Coding change: c.107A>C on transcript NM_005188.4 (MANE Select); coding-DNA position 107, A replaced by C.
Protein change: p.His36Pro; replaces histidine 36 with proline.
Molecular consequence: missense variant.
Genome position (GRCh38, 1-based): chr11:119,206,524, A>C. VCF-style: chr11-119206524-A-C. GRCh37 (hg19) VCF-style: chr11-119077234-A-C.
Other names: c.107A>C (NM_005188.2); short protein forms H36P.
Identifiers: ClinVar variation 3706469 (VCV003706469.3).